The following is an entry in ClinVar:

NM_000264.5(PTCH1):c.589T>C (p.Trp197Arg)

Gene: PTCH1 (patched 1; minus strand). Cytogenetic location: 9q22.32.
Variant type: single nucleotide variant.
Coding change: c.589T>C on transcript NM_000264.5 (MANE Select); coding-DNA position 589, T replaced by C.
Protein change: p.Trp197Arg; replaces tryptophan 197 with arginine.
Molecular consequence: missense variant. On other transcripts: non-coding transcript variant (1).
Genome position (GRCh38, 1-based): chr9:95,482,199, A>G on the plus strand (T>C on the coding strand, the complement: PTCH1 is on the minus strand). VCF-style: chr9-95482199-A-G. GRCh37 (hg19) VCF-style: chr9-98244481-A-G.
Other names: c.391T>C, p.Trp131Arg (NM_001083602.3, NM_001354919.2); c.586T>C, p.Trp196Arg (NM_001083603.3); c.136T>C, p.Trp46Arg (NM_001083604.3, NM_001083605.3, NM_001083606.3 and 1 more transcripts); c.589T>C, p.Trp197Arg (NM_001354918.2); short protein forms W131R, W197R, W46R, W196R.
Identifiers: ClinVar variation 453904 (VCV000453904.9), dbSNP rs1312950307, ClinGen allele CA374115159.
Genomic context (GRCh38, chr9:95,482,199, plus strand): 5'-CCATGTAACCTGTTTCTGTGATAAGCTCTCCTGATTTGTAACACAAATGTTCCAATTTCC[A>G]CTGCCTAATAAAATGAAAAGCAGAGACAAAAATTTCTCACTGTAATAAGAAAATTAGTGC-3'
Protein context (NP_000255.2, residues 187-207): RVHVYMYNRQ[Trp197Arg]KLEHLCYKSG

ClinVar aggregate classification (germline): Uncertain significance (1 of 4 stars; one submission).

Conditions:
Gorlin syndrome. Also called: Basal cell nevus syndrome; Nevoid Basal Cell Carcinoma Syndrome. Identifiers: Orphanet 377, MedGen C0004779, MONDO:0007187.

Submission:

Labcorp Genetics (formerly Invitae), Labcorp
Classification: Uncertain significance for Gorlin syndrome. Last evaluated: 2017-02-28. Review status: criteria provided, single submitter. Criteria: Invitae Variant Classification Sherloc (09022015). Collection method: clinical testing. Allele origin: germline.
Comment: This variant is not present in population databases (ExAC no frequency) and has not been reported in the literature in individuals with a PTCH1-related disease. In summary, this variant is a novel missense change with uncertain impact on protein function. It has been classified as a Variant of Uncertain Significance. Algorithms developed to predict the effect of missense changes on protein structure and function (SIFT, PolyPhen-2, Align-GVGD) all suggest that this variant is likely to be disruptive, but these predictions have not been confirmed by published functional studies. This sequence change replaces tryptophan with arginine at codon 197 of the PTCH1 protein (p.Trp197Arg). The tryptophan residue is highly conserved and there is a moderate physicochemical difference between tryptophan and arginine.